The following is an entry in ClinVar:

ClinVar aggregate classification (germline): Uncertain significance. Review status: criteria provided, multiple submitters, no conflicts (2 of 4 stars). 4 submissions from 4 submitters: Uncertain significance (4). Last evaluated 2025-04-18.

Conditions:
Idiopathic generalized epilepsy. Also called: Generalised epilepsy; EIG. Identifiers: MedGen C0270850, MONDO:0005579, OMIM 600669.

Allele frequency attached by ClinVar (database versions not stated): gnomAD 0.00005 and 0.00006; TOPMed 0.00005; ExAC 0.00006; gnomAD exomes 0.00007.
gnomAD v4.1: 48 of 1,612,626 alleles (0.003%); highest among the groups gnomAD compares: East Asian, 0.016%; no homozygotes.

Submissions (4):

Ambry Genetics
Classification: Uncertain significance. Last evaluated: 2025-04-18. Review status: criteria provided, single submitter. Criteria: Ambry Variant Classification Scheme 2023. Collection method: clinical testing. Allele origin: germline.

Women's Health and Genetics/Laboratory Corporation of America, LabCorp
Classification: Uncertain significance. Last evaluated: 2024-05-06. Review status: criteria provided, single submitter. Criteria: LabCorp Variant Classification Summary - May 2015. Collection method: clinical testing. Allele origin: germline.
Comment: Variant summary: CACNB4 c.620C>T (p.Thr207Met) results in a non-conservative amino acid change in the encoded protein sequence. Three of five in-silico tools predict a damaging effect of the variant on protein function. Consensus agreement among computation tools predict no significant impact on normal splicing. However, these predictions have yet to be confirmed by functional studies. The variant allele was found at a frequency of 6.9e-05 in 247540 control chromosomes. To our knowledge, no occurrence of c.620C>T in individuals affected with Episodic Ataxia Type 5 and no experimental evidence demonstrating its impact on protein function have been reported. ClinVar contains an entry for this variant (Variation ID: 936797). Based on the evidence outlined above, the variant was classified as uncertain significance.

CeGaT Center for Human Genetics Tuebingen
Classification: Uncertain significance. Last evaluated: 2023-09-01. Review status: criteria provided, single submitter. Criteria: CeGaT Center For Human Genetics Tuebingen Variant Classification Criteria Version 2. Collection method: clinical testing. Allele origin: germline. Affected: yes. Observed: 1 variant allele.
Comment: CACNB4: PM2

Labcorp Genetics (formerly Invitae), Labcorp
Classification: Uncertain significance for Idiopathic generalized epilepsy. Last evaluated: 2021-08-28. Review status: criteria provided, single submitter. Criteria: Invitae Variant Classification Sherloc (09022015). Collection method: clinical testing. Allele origin: germline.

NM_000726.5(CACNB4):c.620C>T (p.Thr207Met)

Gene: CACNB4 (calcium voltage-gated channel auxiliary subunit beta 4; minus strand). Cytogenetic location: 2q23.3.
Variant type: single nucleotide variant.
Coding change: c.620C>T on transcript NM_000726.5 (MANE Select); coding-DNA position 620, C replaced by T.
Protein change: p.Thr207Met; replaces threonine 207 with methionine.
Molecular consequence: missense variant. On other transcripts: synonymous variant (3), 5 prime UTR variant (1).
Genome position (GRCh38, 1-based): chr2:151,870,610, G>A on the plus strand (C>T on the coding strand, the complement: CACNB4 is on the minus strand). VCF-style: chr2-151870610-G-A. GRCh37 (hg19) VCF-style: chr2-152727124-G-A.
Other names: c.566C>T, p.Thr189Met (NM_001005746.4); c.518C>T, p.Thr173Met (NM_001005747.4); c.620C>T, p.Thr207Met (NM_001145798.3); c.479C>T, p.Thr160Met (NM_001320722.3, NM_001330118.2); c.546C>T, p.Asp182= (NM_001330113.2); c.-35C>T (NM_001330114.2); c.498C>T, p.Asp166= (NM_001330115.2); c.459C>T, p.Asp153= (NM_001330116.2); and 1 more; short protein forms T207M, T21M, T173M, T160M, T189M.
Identifiers: ClinVar variation 936797 (VCV000936797.31), dbSNP rs750116399, ClinGen allele CA1912558.